The following is an entry in ClinVar:

NM_198253.3(TERT):c.1895C>T (p.Pro632Leu)

Gene: TERT (telomerase reverse transcriptase; minus strand). Cytogenetic location: 5p15.33.
Variant type: single nucleotide variant.
Coding change: c.1895C>T on transcript NM_198253.3 (MANE Select); coding-DNA position 1895, C replaced by T.
Protein change: p.Pro632Leu; replaces proline 632 with leucine.
Molecular consequence: missense variant. On other transcripts: non-coding transcript variant (2).
Genome position (GRCh38, 1-based): chr5:1,280,213, G>A on the plus strand (C>T on the coding strand, the complement: TERT is on the minus strand). VCF-style: chr5-1280213-G-A. GRCh37 (hg19) VCF-style: chr5-1280328-G-A.
Other names: p.Pro632Leu; c.1895C>T (NM_198253.2); c.1895C>T, p.Pro632Leu (NM_001193376.3); short protein forms P632L.
Identifiers: ClinVar variation 1489437 (VCV001489437.34), dbSNP rs1749925286, ClinGen allele CA359081420.

ClinVar aggregate classification (germline): Uncertain significance. Review status: criteria provided, multiple submitters, no conflicts (2 of 4 stars). 4 submissions from 4 submitters: Uncertain significance (3). 1 of the submissions does not count toward it. Last evaluated 2026-07-15.

Conditions:
Dyskeratosis congenita. Identifiers: Orphanet 1775, MedGen C0265965, MONDO:0015780.
Dyskeratosis congenita, autosomal dominant 2. Identifiers: MedGen C3151443, MONDO:0013521, OMIM 613989.
Idiopathic Pulmonary Fibrosis. Also called: Idiopathic fibrosing alveolitis, chronic form; idiopathic fibrosing alveolitis. Identifiers: Orphanet 2032, MedGen C1800706, MeSH D054990, MONDO:0800504.
Pulmonary fibrosis. Identifiers: MedGen C0034069, MONDO:0002771, HP:0002206.

Allele frequency attached by ClinVar (database versions not stated): TOPMed 0.00001; gnomAD exomes below 0.00001.
gnomAD v4.1: 1 of 1,614,010 alleles (0.000062%); highest among the groups gnomAD compares: Non-Finnish European, 0.000085%; no homozygotes.

Submissions (4):

Ambry Genetics
Classification: Uncertain significance for Dyskeratosis congenita. Last evaluated: 2026-07-15. Review status: criteria provided, single submitter. Criteria: Ambry Variant Classification Scheme 2023. Collection method: clinical testing. Allele origin: germline.
Comment: The p.P632L variant (also known as c.1895C>T), located in coding exon 4 of the TERT gene, results from a C to T substitution at nucleotide position 1895. The proline at codon 632 is replaced by leucine, an amino acid with similar properties. This amino acid position is highly conserved in available vertebrate species. In addition, this alteration is predicted to be deleterious by in silico analysis. Based on the available evidence, the clinical significance of this variant remains unclear.

Labcorp Genetics (formerly Invitae), Labcorp
Classification: Uncertain significance for Dyskeratosis congenita, autosomal dominant 2; Idiopathic Pulmonary Fibrosis. Last evaluated: 2024-07-15. Review status: criteria provided, single submitter. Criteria: Invitae Variant Classification Sherloc (09022015). Collection method: clinical testing. Allele origin: germline.
Comment: This sequence change replaces proline, which is neutral and non-polar, with leucine, which is neutral and non-polar, at codon 632 of the TERT protein (p.Pro632Leu). This variant is not present in population databases (gnomAD no frequency). This missense change has been observed in individual(s) with aplastic anemia and/or pulmonary fibrosis (PMID: 28192371, 30523342). ClinVar contains an entry for this variant (Variation ID: 1489437). Advanced modeling of protein sequence and biophysical properties (such as structural, functional, and spatial information, amino acid conservation, physicochemical variation, residue mobility, and thermodynamic stability) performed at Invitae indicates that this missense variant is expected to disrupt TERT protein function with a positive predictive value of 95%. In summary, the available evidence is currently insufficient to determine the role of this variant in disease. Therefore, it has been classified as a Variant of Uncertain Significance.

GeneDx
Classification: Uncertain significance. Last evaluated: 2023-03-21. Review status: criteria provided, single submitter. Criteria: GeneDx Variant Classification Process June 2021. Collection method: clinical testing. Allele origin: germline. Affected: yes.
Comment: Identified in a patients with aplastic anemia and pulmonary fibrosis in published literature (Maryoung et al., 2017; Gutierrez-Rodrigues et al., 2019); Not observed at significant frequency in large population cohorts (gnomAD); In silico analysis supports that this missense variant has a deleterious effect on protein structure/function; This variant is associated with the following publications: (PMID: 28192371, 30523342)

Garcia Pulmonary Genetics Research Laboratory, Columbia University Irving Medical Center
Classification: Likely risk allele for Pulmonary fibrosis. Last evaluated: 2022-06-09. Review status: no assertion criteria provided. Collection method: research. Allele origin: germline. Affected: yes. Not counted in ClinVar's aggregate classification.
Comment: Leukocyte telomere length (by qPCR) less than 10th percentile age-adjusted

Literature cited by the submitters: PubMed 28192371 (cited by Labcorp Genetics (formerly Invitae), Labcorp); PubMed 30523342 (cited by Labcorp Genetics (formerly Invitae), Labcorp).